The following is an entry in ClinVar:

ClinVar aggregate classification (germline): Pathogenic (1 of 4 stars; one submission).

Conditions:
Glycogen storage disease IV, classic hepatic. Also called: GSD IV, CLASSIC HEPATIC. Identifiers: MedGen C1856301.
Glycogen storage disease, type IV (GSD4). Also called: AMYLOPECTINOSIS; ANDERSEN DISEASE; BRANCHER DEFICIENCY; CIRRHOSIS, FAMILIAL, WITH DEPOSITION OF ABNORMAL GLYCOGEN; GBE1 DEFICIENCY; GLYCOGEN BRANCHING ENZYME DEFICIENCY. Identifiers: Orphanet 367, MedGen C0017923, MONDO:0009292, OMIM 232500.

Submission:

Labcorp Genetics (formerly Invitae), Labcorp
Classification: Pathogenic for Glycogen storage disease, type IV; Glycogen storage disease IV, classic hepatic. Last evaluated: 2023-03-16. Review status: criteria provided, single submitter. Criteria: Invitae Variant Classification Sherloc (09022015). Collection method: clinical testing. Allele origin: unknown.
Comment: For these reasons, this variant has been classified as Pathogenic. This variant has not been reported in the literature in individuals affected with GBE1-related conditions. This variant is a gross deletion of the genomic region encompassing exon(s) 1-7 of the GBE1 gene, which includes the initiator codon. This deletion extends beyond the assayed region for this gene and therefore may encompass additional genes. It is expected to result in an absent or disrupted protein product. Loss-of-function variants in GBE1 are known to be pathogenic (PMID: 15452297, 20058079).

Literature cited by the submitters: PubMed 15452297; PubMed 20058079.

NC_000003.11:g.(?_81691912)_(81810668_?)del

Gene: GBE1 (1,4-alpha-glucan branching enzyme 1; minus strand). Cytogenetic location: 3p12.2.
Variant type: Deletion.
Identifiers: ClinVar variation 3246825 (VCV003246825.1).